The following is an entry in ClinVar:

ClinVar aggregate classification (germline): Uncertain significance (1 of 4 stars; one submission).

Conditions:
Developmental and epileptic encephalopathy, 53. Also called: Epileptic encephalopathy, early infantile, 53. Identifiers: MedGen C4479313, MONDO:0033362, OMIM 617389.
Early-onset Parkinson disease 20. Also called: PARKINSON DISEASE 20, AUTOSOMAL RECESSIVE EARLY-ONSET. Identifiers: Orphanet 391411, MedGen C3809824, MONDO:0014233, OMIM 615530.

Submission:

Labcorp Genetics (formerly Invitae), Labcorp
Classification: Uncertain significance for Developmental and epileptic encephalopathy, 53; Early-onset Parkinson disease 20. Last evaluated: 2021-12-01. Review status: criteria provided, single submitter. Criteria: Invitae Variant Classification Sherloc (09022015). Collection method: clinical testing. Allele origin: germline.
Comment: In summary, the available evidence is currently insufficient to determine the role of this variant in disease. Therefore, it has been classified as a Variant of Uncertain Significance. This sequence change replaces alanine, which is neutral and non-polar, with serine, which is neutral and polar, at codon 365 of the SYNJ1 protein (p.Ala365Ser). This variant is not present in population databases (gnomAD no frequency). This variant has not been reported in the literature in individuals affected with SYNJ1-related conditions. Algorithms developed to predict the effect of missense changes on protein structure and function output the following: SIFT: "Tolerated"; PolyPhen-2: "Benign"; Align-GVGD: "Class C0". The serine amino acid residue is found in multiple mammalian species, which suggests that this missense change does not adversely affect protein function.

NM_203446.3(SYNJ1):c.976G>T (p.Ala326Ser)

Gene: SYNJ1 (synaptojanin 1; minus strand). Cytogenetic location: 21q22.11.
Variant type: single nucleotide variant.
Coding change: c.976G>T on transcript NM_203446.3 (MANE Select); coding-DNA position 976, G replaced by T.
Protein change: p.Ala326Ser; replaces alanine 326 with serine.
Molecular consequence: missense variant.
Genome position (GRCh38, 1-based): chr21:32,685,890, C>A on the plus strand (G>T on the coding strand, the complement: SYNJ1 is on the minus strand). VCF-style: chr21-32685890-C-A. GRCh37 (hg19) VCF-style: chr21-34058200-C-A.
Other names: c.976G>T, p.Ala326Ser (NM_001160302.2, NM_001160306.2); c.1093G>T, p.Ala365Ser (NM_003895.4); short protein forms A326S, A365S.
Identifiers: ClinVar variation 1479167 (VCV001479167.6), dbSNP rs2146090569, ClinGen allele CA410093342.
Genomic context (GRCh38, chr21:32,685,890, plus strand): 5'-TTTCTGCCTTTCCTCCCTTAACCATTTGATGATAGTCAAAATTCACCATCTGGATATCAG[C>A]AGCATGTTCAGAAGCTTTCAAATGACTCTGAAAGTAAAAAGGCAAATATTCATCTAAATG-3'
Protein context (NP_982271.3, residues 316-336): QSHLKASEHA[Ala326Ser]DIQMVNFDYH